The following is an entry in ClinVar:

ClinVar aggregate classification (germline): Pathogenic/Likely pathogenic. Review status: criteria provided, multiple submitters, no conflicts (2 of 4 stars). 2 submissions from 2 submitters: Pathogenic (1); Likely pathogenic (1). Last evaluated 2024-02-20.

Conditions:
Cardioencephalomyopathy, fatal infantile, due to cytochrome c oxidase deficiency 1 (MC4DN2). Also called: CYTOCHROME c OXIDASE DEFICIENCY, FATAL INFANTILE, WITH CARDIOENCEPHALOMYOPATHY; MITOCHONDRIAL COMPLEX IV DEFICIENCY, NUCLEAR TYPE 2. Identifiers: Orphanet 1561, MedGen C5399977, MONDO:0011451, OMIM 604377.

Allele frequency attached by ClinVar (database versions not stated): gnomAD exomes below 0.00001.
gnomAD v4.1: 1 of 1,613,472 alleles (0.000062%); highest among the groups gnomAD compares: Non-Finnish European, 0.000085%; no homozygotes.

Submissions (2):

Labcorp Genetics (formerly Invitae), Labcorp
Classification: Pathogenic. Last evaluated: 2024-02-20. Review status: criteria provided, single submitter. Criteria: Invitae Variant Classification Sherloc (09022015). Collection method: clinical testing. Allele origin: germline.
Comment: This sequence change creates a premature translational stop signal (p.Gln122*) in the SCO2 gene. While this is not anticipated to result in nonsense mediated decay, it is expected to disrupt the last 145 amino acid(s) of the SCO2 protein. This variant is present in population databases (no rsID available, gnomAD 0.0009%). This variant has not been reported in the literature in individuals affected with SCO2-related conditions. This variant disrupts a region of the SCO2 protein in which other variant(s) (p.Gly193Ser) have been determined to be pathogenic (PMID: 19353847, 29193756, 32600061). This suggests that this is a clinically significant region of the protein, and that variants that disrupt it are likely to be disease-causing. For these reasons, this variant has been classified as Pathogenic.

Baylor Genetics
Classification: Likely pathogenic for Cardioencephalomyopathy, fatal infantile, due to cytochrome c oxidase deficiency 1. Last evaluated: 2024-01-17. Review status: criteria provided, single submitter. Criteria: ACMG Guidelines, 2015. Collection method: clinical testing. Allele origin: unknown.

Literature cited by the submitters: PubMed 19353847 (cited by Labcorp Genetics (formerly Invitae), Labcorp); PubMed 29193756 (cited by Labcorp Genetics (formerly Invitae), Labcorp); PubMed 32600061 (cited by Labcorp Genetics (formerly Invitae), Labcorp).

NM_005138.3(SCO2):c.364C>T (p.Gln122Ter)

Genes: NCAPH2 (non-SMC condensin II complex subunit H2; plus strand), SCO2 (synthesis of cytochrome C oxidase 2; minus strand). Cytogenetic location: 22q13.33.
Variant type: single nucleotide variant.
Coding change: c.364C>T on transcript NM_005138.3 (MANE Select); coding-DNA position 364, C replaced by T.
Protein change: p.Gln122Ter; replaces glutamine 122 with a stop codon.
Molecular consequence: nonsense. On other transcripts: 3 prime UTR variant (2).
Genome position (GRCh38, 1-based): chr22:50,524,048, G>A on the plus strand (C>T on the coding strand, the complement: SCO2 is on the minus strand). VCF-style: chr22-50524048-G-A. GRCh37 (hg19) VCF-style: chr22-50962477-G-A.
Other names: c.*673G>A (NM_001185011.2, NM_152299.4); c.364C>T, p.Gln122Ter (NM_001169109.2, NM_001169110.1, NM_001169111.2); short protein forms Q122*.
Identifiers: ClinVar variation 2722786 (VCV002722786.4), dbSNP rs1358061279, ClinGen allele CA412192964.